The following is an entry in ClinVar:

ClinVar aggregate classification (germline): Uncertain significance. Review status: criteria provided, multiple submitters, no conflicts (2 of 4 stars). 3 submissions from 3 submitters: Uncertain significance (3). Last evaluated 2024-02-02.

Conditions:
Inborn genetic diseases. Identifiers: MedGen C0950123, MeSH D030342.
Autosomal recessive proximal renal tubular acidosis (PRTAO). Also called: RENAL TUBULAR ACIDOSIS, PROXIMAL, WITH OCULAR ABNORMALITIES AND MENTAL RETARDATION; RTA, PROXIMAL, AUTOSOMAL RECESSIVE; PROXIMAL RENAL TUBULAR ACIDOSIS-OCULAR ANOMALY SYNDROME; RENAL TUBULAR ACIDOSIS, PROXIMAL, WITH OCULAR ABNORMALITIES AND IMPAIRED INTELLECTUAL DEVELOPMENT. Identifiers: Orphanet 93607, MedGen C1970309, MONDO:0011422, OMIM 604278.

Allele frequency attached by ClinVar (database versions not stated): ExAC 0.00003; gnomAD 0.00004; gnomAD exomes 0.00005; TOPMed 0.00005; ESP Exome Variant Server 0.00015.
gnomAD v4.1: 72 of 1,609,966 alleles (0.0045%); highest among the groups gnomAD compares: Non-Finnish European, 0.0056%; no homozygotes.

Submissions (3):

Fulgent Genetics
Classification: Uncertain significance for Autosomal recessive proximal renal tubular acidosis. Last evaluated: 2024-02-02. Review status: criteria provided, single submitter. Criteria: ACMG Guidelines, 2015. Collection method: clinical testing. Allele origin: germline.

Mayo Clinic Laboratories, Mayo Clinic
Classification: Uncertain significance. Last evaluated: 2023-01-12. Review status: criteria provided, single submitter. Criteria: ACMG Guidelines, 2015. Collection method: clinical testing. Allele origin: germline. Observed: 1 variant allele.
Comment: PP2

Ambry Genetics
Classification: Uncertain significance for Inborn genetic diseases. Last evaluated: 2022-10-25. Review status: criteria provided, single submitter. Criteria: Ambry Variant Classification Scheme 2023. Collection method: clinical testing. Allele origin: germline.

Literature cited by the submitters: PubMed 32730804 (cited by Mayo Clinic Laboratories, Mayo Clinic).

NM_001098484.3(SLC4A4):c.3223C>T (p.Arg1075Cys)

Gene: SLC4A4 (solute carrier family 4 member 4; plus strand). Cytogenetic location: 4q13.3.
Variant type: single nucleotide variant.
Coding change: c.3223C>T on transcript NM_001098484.3 (MANE Select); coding-DNA position 3223, C replaced by T.
Protein change: p.Arg1075Cys; replaces arginine 1075 with cysteine.
Molecular consequence: missense variant. On other transcripts: synonymous variant (1).
Genome position (GRCh38, 1-based): chr4:71,567,030, C>T. VCF-style: chr4-71567030-C-T. GRCh37 (hg19) VCF-style: chr4-72432747-C-T.
Other names: p.Arg1075Cys; c.3126C>T, p.Asn1042= (NM_001134742.2); c.3091C>T, p.Arg1031Cys (NM_003759.4); short protein forms R1075C, R1031C.
Identifiers: ClinVar variation 2348848 (VCV002348848.4), dbSNP rs149938502, ClinGen allele CA2955321.